The following is an entry in ClinVar:

NM_000018.4(ACADVL):c.491T>A (p.Val164Glu)

Gene: ACADVL (acyl-CoA dehydrogenase very long chain; plus strand). Cytogenetic location: 17p13.1.
Variant type: single nucleotide variant.
Coding change: c.491T>A on transcript NM_000018.4 (MANE Select); coding-DNA position 491, T replaced by A.
Protein change: p.Val164Glu; replaces valine 164 with glutamic acid.
Molecular consequence: missense variant.
Genome position (GRCh38, 1-based): chr17:7,221,551, T>A. VCF-style: chr17-7221551-T-A. GRCh37 (hg19) VCF-style: chr17-7124870-T-A.
Other names: c.425T>A, p.Val142Glu (NM_001033859.3); c.560T>A, p.Val187Glu (NM_001270447.2); c.263T>A, p.Val88Glu (NM_001270448.2); short protein forms V164E, V88E, V142E, V187E.
Identifiers: ClinVar variation 2804326 (VCV002804326.3), dbSNP rs2071225938, ClinGen allele CA397723020.

ClinVar aggregate classification (germline): Likely pathogenic (1 of 4 stars; one submission).

Conditions:
Very long chain acyl-CoA dehydrogenase deficiency (ACADVLD). Also called: Very Long-Chain Acyl-Coenzyme A Dehydrogenase Deficiency; VLCAD Deficiency. Identifiers: Orphanet 26793, MedGen C3887523, MONDO:0008723, OMIM 201475.

gnomAD v4.1: 1 of 1,613,972 alleles (0.000062%); highest among the groups gnomAD compares: African/African-American, 0.0013%; no homozygotes.

Submission:

Labcorp Genetics (formerly Invitae), Labcorp
Classification: Likely pathogenic for Very long chain acyl-CoA dehydrogenase deficiency. Last evaluated: 2023-12-29. Review status: criteria provided, single submitter. Criteria: Invitae Variant Classification Sherloc (09022015). Collection method: clinical testing. Allele origin: germline.
Comment: This sequence change replaces valine, which is neutral and non-polar, with glutamic acid, which is acidic and polar, at codon 164 of the ACADVL protein (p.Val164Glu). This variant is not present in population databases (gnomAD no frequency). This variant has not been reported in the literature in individuals affected with ACADVL-related conditions. Advanced modeling of protein sequence and biophysical properties (such as structural, functional, and spatial information, amino acid conservation, physicochemical variation, residue mobility, and thermodynamic stability) performed at Invitae indicates that this missense variant is expected to disrupt ACADVL protein function with a positive predictive value of 95%. This variant disrupts the p.Val164 amino acid residue in ACADVL. Other variant(s) that disrupt this residue have been determined to be pathogenic (PMID: 23169530). This suggests that this residue is clinically significant, and that variants that disrupt this residue are likely to be disease-causing. In summary, the currently available evidence indicates that the variant is pathogenic, but additional data are needed to prove that conclusively. Therefore, this variant has been classified as Likely Pathogenic.

Literature cited by the submitters: PubMed 23169530.